The following is an entry in ClinVar:

ClinVar aggregate classification (germline): Uncertain significance. Review status: criteria provided, multiple submitters, no conflicts (2 of 4 stars). 2 submissions from 2 submitters: Uncertain significance (2). Last evaluated 2025-11-03.

gnomAD v4.1: 4 of 1,614,030 alleles (0.00025%); highest among the groups gnomAD compares: East Asian, 0.0089%; no homozygotes.

Submissions (2):

Labcorp Genetics (formerly Invitae), Labcorp
Classification: Uncertain significance. Last evaluated: 2025-11-03. Review status: criteria provided, single submitter. Criteria: Invitae Variant Classification Sherloc (09022015). Collection method: clinical testing. Allele origin: germline.
Comment: This sequence change replaces histidine, which is basic and polar, with tyrosine, which is neutral and polar, at codon 658 of the TET2 protein (p.His658Tyr). This variant is present in population databases (rs746918138, gnomAD 0.02%). This variant has not been reported in the literature in individuals affected with TET2-related conditions. ClinVar contains an entry for this variant (Variation ID: 3455317). An algorithm developed to predict the effect of missense changes on protein structure and function outputs the following: PolyPhen-2: "Benign". The tyrosine amino acid residue is found in multiple mammalian species, which suggests that this missense change does not adversely affect protein function. In summary, the available evidence is currently insufficient to determine the role of this variant in disease. Therefore, it has been classified as a Variant of Uncertain Significance.

Ambry Genetics
Classification: Uncertain significance. Last evaluated: 2025-06-12. Review status: criteria provided, single submitter. Criteria: Ambry Variant Classification Scheme 2023. Collection method: clinical testing. Allele origin: germline.

NM_001127208.3(TET2):c.1972C>T (p.His658Tyr)

Genes: TET2 (tet methylcytosine dioxygenase 2; plus strand), TET2-AS1 (TET2 antisense RNA 1; minus strand). Cytogenetic location: 4q24.
Variant type: single nucleotide variant.
Coding change: c.1972C>T on transcript NM_001127208.3 (MANE Select); coding-DNA position 1972, C replaced by T.
Protein change: p.His658Tyr; replaces histidine 658 with tyrosine.
Molecular consequence: missense variant.
Genome position (GRCh38, 1-based): chr4:105,235,914, C>T. VCF-style: chr4-105235914-C-T. GRCh37 (hg19) VCF-style: chr4-106157071-C-T.
Other names: c.1972C>T, p.His658Tyr (NM_017628.4); short protein forms H658Y.
Identifiers: ClinVar variation 3455317 (VCV003455317.3).